The following is an entry in ClinVar:

NM_000135.4(FANCA):c.580C>T (p.Gln194Ter)

Gene: FANCA (FA complementation group A; minus strand). Cytogenetic location: 16q24.3.
Variant type: single nucleotide variant.
Coding change: c.580C>T on transcript NM_000135.4 (MANE Select); coding-DNA position 580, C replaced by T.
Protein change: p.Gln194Ter; replaces glutamine 194 with a stop codon.
Molecular consequence: nonsense.
Genome position (GRCh38, 1-based): chr16:89,808,310, G>A on the plus strand (C>T on the coding strand, the complement: FANCA is on the minus strand). VCF-style: chr16-89808310-G-A. GRCh37 (hg19) VCF-style: chr16-89874718-G-A.
Other names: c.580C>T, p.Gln194Ter (NM_001018112.3, NM_001286167.3); c.484C>T, p.Gln162Ter (NM_001351830.2); c.580C>T (NM_000135.3); short protein forms Q162*, Q194*.
Identifiers: ClinVar variation 1322869 (VCV001322869.13), dbSNP rs1384166265, ClinGen allele CA397479183.
Genomic context (GRCh38, chr16:89,808,310, plus strand): 5'-TAGACTGCAAAAACAGTAACACTGAATCATCATTAGCACGCTACCTTTCCAGCAGCTCTT[G>A]CAGGCTCACAATGCCTTGTACGTGAAGATGCCACACCGCTTCAAGCAACAAAGAACTCTG-3'

ClinVar aggregate classification (germline): Pathogenic/Likely pathogenic. Review status: criteria provided, multiple submitters, no conflicts (2 of 4 stars). 5 submissions from 5 submitters: Pathogenic (2); Likely pathogenic (3). Last evaluated 2024-09-09.

Conditions:
Fanconi anemia (FA). Also called: Fanconi's anemia. Identifiers: Orphanet 84, MedGen C0015625, MeSH D005199, MONDO:0019391.
Fanconi anemia complementation group A (FANCA). Also called: Fanconi anemia, group A; FANCA-Related Fanconi Anemia. Identifiers: Orphanet 84, MedGen C3469521, MONDO:0009215, OMIM 227650.

Allele frequency attached by ClinVar (database versions not stated): gnomAD exomes below 0.00001; TOPMed below 0.00001; gnomAD 0.00001.
gnomAD v4.1: 3 of 1,613,936 alleles (0.00019%); highest among the groups gnomAD compares: Non-Finnish European, 0.00025%; no homozygotes.

Submissions (5):

Labcorp Genetics (formerly Invitae), Labcorp
Classification: Pathogenic for Fanconi anemia. Last evaluated: 2024-09-09. Review status: criteria provided, single submitter. Criteria: Invitae Variant Classification Sherloc (09022015). Collection method: clinical testing. Allele origin: germline.
Comment: This sequence change creates a premature translational stop signal (p.Gln194*) in the FANCA gene. It is expected to result in an absent or disrupted protein product. Loss-of-function variants in FANCA are known to be pathogenic (PMID: 19367192). This variant is present in population databases (no rsID available, gnomAD 0.007%). This variant has not been reported in the literature in individuals affected with FANCA-related conditions. ClinVar contains an entry for this variant (Variation ID: 1322869). For these reasons, this variant has been classified as Pathogenic.

Natera, Inc.
Classification: Likely pathogenic for Fanconi anemia. Last evaluated: 2024-03-07. Review status: criteria provided, single submitter. Criteria: Natera Variant Classification Schema (03/2026). Collection method: clinical testing. Allele origin: germline.
Comment: The c.580C>T variant in FANCA is a nonsense variant predicted to introduce a stop codon at amino acid 194. This variant is expected to result in nonsense mediated decay, truncation, or a dysfunctional protein product. This variant is rare in the general population with a frequency below the threshold expected for the associated phenotype(s). Given the available evidence, this variant is classified as Likely Pathogenic.

Baylor Genetics
Classification: Likely pathogenic for Fanconi anemia complementation group A. Last evaluated: 2024-02-24. Review status: criteria provided, single submitter. Criteria: ACMG Guidelines, 2015. Collection method: clinical testing. Allele origin: unknown.

Fulgent Genetics
Classification: Likely pathogenic for Fanconi anemia complementation group A. Last evaluated: 2024-01-21. Review status: criteria provided, single submitter. Criteria: ACMG Guidelines, 2015. Collection method: clinical testing. Allele origin: germline.

Revvity Omics, Revvity
Classification: Pathogenic for Fanconi anemia complementation group A. Last evaluated: 2019-02-04. Review status: criteria provided, single submitter. Criteria: ACMG Guidelines, 2015. Collection method: clinical testing. Allele origin: germline.

Literature cited by the submitters: PubMed 19367192 (cited by Labcorp Genetics (formerly Invitae), Labcorp).